The following is an entry in ClinVar:

ClinVar aggregate classification (germline): Uncertain significance (1 of 4 stars; one submission).

Submission:

Labcorp Genetics (formerly Invitae), Labcorp
Classification: Uncertain significance. Last evaluated: 2024-11-30. Review status: criteria provided, single submitter. Criteria: Invitae Variant Classification Sherloc (09022015). Collection method: clinical testing. Allele origin: germline.
Comment: This sequence change replaces isoleucine, which is neutral and non-polar, with threonine, which is neutral and polar, at codon 554 of the CDC6 protein (p.Ile554Thr). This variant is not present in population databases (gnomAD no frequency). This variant has not been reported in the literature in individuals affected with CDC6-related conditions. An algorithm developed to predict the effect of missense changes on protein structure and function (PolyPhen-2) suggests that this variant is likely to be disruptive. In summary, the available evidence is currently insufficient to determine the role of this variant in disease. Therefore, it has been classified as a Variant of Uncertain Significance.

NM_001254.4(CDC6):c.1661T>C (p.Ile554Thr)

Gene: CDC6 (cell division cycle 6; plus strand). Cytogenetic location: 17q21.2.
Variant type: single nucleotide variant.
Coding change: c.1661T>C on transcript NM_001254.4 (MANE Select); coding-DNA position 1661, T replaced by C.
Protein change: p.Ile554Thr; replaces isoleucine 554 with threonine.
Molecular consequence: missense variant.
Genome position (GRCh38, 1-based): chr17:40,301,979, T>C. VCF-style: chr17-40301979-T-C. GRCh37 (hg19) VCF-style: chr17-38458231-T-C.
Other names: short protein forms I554T.
Identifiers: ClinVar variation 3633231 (VCV003633231.2).